The following is an entry in ClinVar:

ClinVar aggregate classification (germline): Likely benign (0 of 4 stars; one submission).

Conditions:
EPPK1-related disorder. Also called: EPPK1-related condition.

Allele frequency attached by ClinVar (database versions not stated): 1000 Genomes Project 0.00419; 1000 Genomes Project 30x 0.00453; ESP Exome Variant Server 0.01129.
gnomAD v4.1: 24,746 of 1,613,452 alleles (1.5%); highest among the groups gnomAD compares: Non-Finnish European, 1.8%; 221 homozygotes.

Submission:

PreventionGenetics, part of Exact Sciences
Classification: Likely benign for EPPK1-related condition. Last evaluated: 2022-03-01. Review status: no assertion criteria provided. Collection method: clinical testing. Allele origin: germline.
Comment: This variant is classified as likely benign based on ACMG/AMP sequence variant interpretation guidelines (Richards et al. 2015 PMID: 25741868, with internal and published modifications).

NM_031308.4(EPPK1):c.5590G>A (p.Val1864Ile)

Gene: EPPK1 (epiplakin 1; minus strand). Cytogenetic location: 8q24.3.
Variant type: single nucleotide variant.
Coding change: c.5590G>A on transcript NM_031308.4 (MANE Select); coding-DNA position 5590, G replaced by A.
Protein change: p.Val1864Ile; replaces valine 1864 with isoleucine.
Molecular consequence: missense variant.
Genome position (GRCh38, 1-based): chr8:143,867,664, C>T on the plus strand (G>A on the coding strand, the complement: EPPK1 is on the minus strand). VCF-style: chr8-143867664-C-T. GRCh37 (hg19) VCF-style: chr8-144941832-C-T.
Other names: short protein forms V1864I.
Identifiers: ClinVar variation 3053626 (VCV003053626.2), dbSNP rs143485250, ClinGen allele CA4922099.